The following is an entry in ClinVar:

NM_152327.5(AK7):c.1826G>A (p.Arg609Gln)

Gene: AK7 (adenylate kinase 7; plus strand). Cytogenetic location: 14q32.2.
Variant type: single nucleotide variant.
Coding change: c.1826G>A on transcript NM_152327.5 (MANE Select); coding-DNA position 1826, G replaced by A.
Protein change: p.Arg609Gln; replaces arginine 609 with glutamine.
Molecular consequence: missense variant.
Genome position (GRCh38, 1-based): chr14:96,483,071, G>A. VCF-style: chr14-96483071-G-A. GRCh37 (hg19) VCF-style: chr14-96949408-G-A.
Other names: c.1757G>A, p.Arg586Gln (NM_001350888.2, NM_001350890.2); c.1748G>A, p.Arg583Gln (NM_001350891.2); c.1628G>A, p.Arg543Gln (NM_001350892.2); short protein forms R543Q, R586Q, R609Q, R583Q.
Identifiers: ClinVar variation 2076114 (VCV002076114.2), dbSNP rs758921408, ClinGen allele CA7337976.
Genomic context (GRCh38, chr14:96,483,071, plus strand): 5'-TTGAAGATGCTCAGAATAGACTTGCTATCAAACAGCTCATCAAAGAGATTGGGGAGCCTC[G>A]AAATTATGGTTTAACAGACGAAGAAAAGGCAGAAGAGGAGCGGAAGGCTGCGGAGGAGCG-3'
Protein context (NP_689540.2, residues 599-619): KQLIKEIGEP[Arg609Gln]NYGLTDEEKA

ClinVar aggregate classification (germline): Uncertain significance (1 of 4 stars; one submission).

Allele frequency attached by ClinVar (database versions not stated): gnomAD 0.00001; gnomAD exomes 0.00001; TOPMed 0.00001; ExAC 0.00004.
gnomAD v4.1: 15 of 1,614,064 alleles (0.00093%); highest among the groups gnomAD compares: Admixed American, 0.01%; no homozygotes.

Submission:

Labcorp Genetics (formerly Invitae), Labcorp
Classification: Uncertain significance. Last evaluated: 2023-04-11. Review status: criteria provided, single submitter. Criteria: Invitae Variant Classification Sherloc (09022015). Collection method: clinical testing. Allele origin: germline.
Comment: In summary, the available evidence is currently insufficient to determine the role of this variant in disease. Therefore, it has been classified as a Variant of Uncertain Significance. Advanced modeling of protein sequence and biophysical properties (such as structural, functional, and spatial information, amino acid conservation, physicochemical variation, residue mobility, and thermodynamic stability) performed at Invitae indicates that this missense variant is not expected to disrupt AK7 protein function. ClinVar contains an entry for this variant (Variation ID: 2076114). This variant has not been reported in the literature in individuals affected with AK7-related conditions. This variant is present in population databases (rs758921408, gnomAD 0.01%). This sequence change replaces arginine, which is basic and polar, with glutamine, which is neutral and polar, at codon 609 of the AK7 protein (p.Arg609Gln).